The following is an entry in ClinVar:

NM_003482.4(KMT2D):c.15127A>G (p.Thr5043Ala)

Gene: KMT2D (lysine methyltransferase 2D; minus strand). Cytogenetic location: 12q13.12.
Variant type: single nucleotide variant.
Coding change: c.15127A>G on transcript NM_003482.4 (MANE Select); coding-DNA position 15127, A replaced by G.
Protein change: p.Thr5043Ala; replaces threonine 5043 with alanine.
Molecular consequence: missense variant.
Genome position (GRCh38, 1-based): chr12:49,026,839, T>C on the plus strand (A>G on the coding strand, the complement: KMT2D is on the minus strand). VCF-style: chr12-49026839-T-C. GRCh37 (hg19) VCF-style: chr12-49420622-T-C.
Other names: short protein forms T5043A.
Identifiers: ClinVar variation 949661 (VCV000949661.10), dbSNP rs1942619358, ClinGen allele CA384689660.

ClinVar aggregate classification (germline): Uncertain significance. Review status: criteria provided, multiple submitters, no conflicts (2 of 4 stars). 2 submissions from 2 submitters: Uncertain significance (2). Last evaluated 2024-02-24.

Conditions:
Kabuki syndrome. Also called: NIIKAWA-KUROKI SYNDROME; Kabuki make-up syndrome. Identifiers: Orphanet 2322, MedGen C0796004, MONDO:0016512.
Inborn genetic diseases. Identifiers: MedGen C0950123, MeSH D030342.

Allele frequency attached by ClinVar (database versions not stated): gnomAD exomes below 0.00001.
gnomAD v4.1: 1 of 1,613,642 alleles (0.000062%); no homozygotes.

Submissions (2):

Labcorp Genetics (formerly Invitae), Labcorp
Classification: Uncertain significance for Kabuki syndrome. Last evaluated: 2024-02-24. Review status: criteria provided, single submitter. Criteria: Invitae Variant Classification Sherloc (09022015). Collection method: clinical testing. Allele origin: germline.
Comment: This sequence change replaces threonine, which is neutral and polar, with alanine, which is neutral and non-polar, at codon 5043 of the KMT2D protein (p.Thr5043Ala). This variant is not present in population databases (gnomAD no frequency). This variant has not been reported in the literature in individuals affected with KMT2D-related conditions. ClinVar contains an entry for this variant (Variation ID: 949661). Advanced modeling of protein sequence and biophysical properties (such as structural, functional, and spatial information, amino acid conservation, physicochemical variation, residue mobility, and thermodynamic stability) performed at Invitae indicates that this missense variant is not expected to disrupt KMT2D protein function with a negative predictive value of 95%. In summary, the available evidence is currently insufficient to determine the role of this variant in disease. Therefore, it has been classified as a Variant of Uncertain Significance.

Ambry Genetics
Classification: Uncertain significance for Inborn genetic diseases. Last evaluated: 2022-01-19. Review status: criteria provided, single submitter. Criteria: Ambry Variant Classification Scheme 2023. Collection method: clinical testing. Allele origin: germline.